The following is an entry in ClinVar:

NM_017672.6(TRPM7):c.3229C>T (p.Gln1077Ter)

Gene: TRPM7 (transient receptor potential cation channel subfamily M member 7; minus strand). Cytogenetic location: 15q21.2.
Variant type: single nucleotide variant.
Coding change: c.3229C>T on transcript NM_017672.6 (MANE Select); coding-DNA position 3229, C replaced by T.
Protein change: p.Gln1077Ter; replaces glutamine 1077 with a stop codon.
Molecular consequence: nonsense. On other transcripts: non-coding transcript variant (1).
Genome position (GRCh38, 1-based): chr15:50,596,316, G>A on the plus strand (C>T on the coding strand, the complement: TRPM7 is on the minus strand). VCF-style: chr15-50596316-G-A. GRCh37 (hg19) VCF-style: chr15-50888513-G-A.
Other names: c.3229C>T, p.Gln1077Ter (NM_001301212.2); short protein forms Q1077*.
Identifiers: ClinVar variation 3371478 (VCV003371478.1).

ClinVar aggregate classification (germline): Uncertain significance (1 of 4 stars; one submission).

Submission:

GeneDx
Classification: Uncertain significance. Last evaluated: 2024-03-23. Review status: criteria provided, single submitter. Criteria: GeneDx Variant Classification Process June 2021. Collection method: clinical testing. Allele origin: germline. Affected: yes.
Comment: Nonsense variant predicted to result in protein truncation or nonsense mediated decay in a gene or region of a gene for which loss of function is not a well-established mechanism of disease; Not observed at significant frequency in large population cohorts (gnomAD); Has not been previously published as pathogenic or benign to our knowledge